The following is an entry in ClinVar:

NM_001330063.2(ANKFY1):c.10+297G>T

Gene: ANKFY1 (ankyrin repeat and FYVE domain containing 1; minus strand). Cytogenetic location: 17p13.2.
Variant type: single nucleotide variant.
Coding change: c.10+297G>T on transcript NM_001330063.2 (MANE Select); 297 bases into the intron after coding-DNA position 10, G replaced by T.
Molecular consequence: intron variant. On other transcripts: synonymous variant (1).
Genome position (GRCh38, 1-based): chr17:4,263,635, C>A on the plus strand (G>T on the coding strand, the complement: ANKFY1 is on the minus strand). VCF-style: chr17-4263635-C-A. GRCh37 (hg19) VCF-style: chr17-4166930-C-A.
Other names: c.96G>T, p.Arg32= (NM_001257999.3); c.10+297G>T (NM_016376.5).
Identifiers: ClinVar variation 3050938 (VCV003050938.2), dbSNP rs528483641, ClinGen allele CA8301875.
Genomic context (GRCh38, chr17:4,263,635, plus strand): 5'-TTCCTAAGGAGAAGGCTTACTTCCCCCGGCGTCCCGGCACCGCCGGCAATCAAGAGCCTC[C>A]CGTGCTGCCCTCGGGGCCCCGCGGCTGCACGCAGCACCGGCGCGGGACCTGCCAGCCCGG-3'

ClinVar aggregate classification (germline): Likely benign (0 of 4 stars; one submission).

Conditions:
ANKFY1-related disorder. Also called: ANKFY1-related condition.

Allele frequency attached by ClinVar (database versions not stated): ExAC 0.00009; 1000 Genomes Project 0.00060; gnomAD 0.00062; TOPMed 0.00066; 1000 Genomes Project 30x 0.00078.
gnomAD v4.1: 171 of 1,534,894 alleles (0.011%); highest among the groups gnomAD compares: African/African-American, 0.22%; no homozygotes.

Submission:

PreventionGenetics, part of Exact Sciences
Classification: Likely benign for ANKFY1-related condition. Last evaluated: 2022-07-14. Review status: no assertion criteria provided. Collection method: clinical testing. Allele origin: germline.
Comment: This variant is classified as likely benign based on ACMG/AMP sequence variant interpretation guidelines (Richards et al. 2015 PMID: 25741868, with internal and published modifications).